The following is an entry in ClinVar:

NM_080473.5(GATA5):c.1038+5G>A

Gene: GATA5 (GATA binding protein 5; minus strand). Cytogenetic location: 20q13.33.
Variant type: single nucleotide variant.
Coding change: c.1038+5G>A on transcript NM_080473.5 (MANE Select); 5 bases into the intron after coding-DNA position 1038, G replaced by A.
Molecular consequence: intron variant.
Genome position (GRCh38, 1-based): chr20:62,465,335, C>T on the plus strand (G>A on the coding strand, the complement: GATA5 is on the minus strand). VCF-style: chr20-62465335-C-T. GRCh37 (hg19) VCF-style: chr20-61040391-C-T.
Identifiers: ClinVar variation 2994510 (VCV002994510.3), dbSNP rs1240492588, ClinGen allele CA636300830.

ClinVar aggregate classification (germline): Uncertain significance (1 of 4 stars; one submission).

Allele frequency attached by ClinVar (database versions not stated): gnomAD 0.00001; gnomAD exomes below 0.00001; TOPMed 0.00001.
gnomAD v4.1: 3 of 1,591,784 alleles (0.00019%); highest among the groups gnomAD compares: Non-Finnish European, 0.00025%; no homozygotes.

Submission:

Labcorp Genetics (formerly Invitae), Labcorp
Classification: Uncertain significance. Last evaluated: 2026-01-27. Review status: criteria provided, single submitter. Criteria: Invitae Variant Classification Sherloc (09022015). Collection method: clinical testing. Allele origin: germline.
Comment: This sequence change falls in intron 6 of the GATA5 gene. It does not directly change the encoded amino acid sequence of the GATA5 protein. It affects a nucleotide within the consensus splice site. The frequency data for this variant in the population databases is considered unreliable, as metrics indicate poor data quality at this position in the gnomAD database. This variant has not been reported in the literature in individuals affected with GATA5-related conditions. ClinVar contains an entry for this variant (Variation ID: 2994510). Variants that disrupt the consensus splice site are a relatively common cause of aberrant splicing (PMID: 17576681, 9536098). Algorithms developed to predict the effect of sequence changes on RNA splicing suggest that this variant is not likely to affect RNA splicing. In summary, the available evidence is currently insufficient to determine the role of this variant in disease. Therefore, it has been classified as a Variant of Uncertain Significance.

Literature cited by the submitters: PubMed 17576681; PubMed 9536098.